The following is an entry in ClinVar:

ClinVar aggregate classification (germline): Conflicting classifications of pathogenicity. Review status: criteria provided, conflicting classifications (1 of 4 stars). 2 submissions from 2 submitters: Uncertain significance (1); Likely benign (1). Last evaluated 2024-01-08.

Conditions:
Spastic paraplegia. Identifiers: MedGen C0037772, HP:0001258.

Allele frequency attached by ClinVar (database versions not stated): TOPMed below 0.00001; gnomAD 0.00001; ExAC 0.00002.
gnomAD v4.1: 14 of 1,613,554 alleles (0.00087%); highest among the groups gnomAD compares: East Asian, 0.016%; no homozygotes.

Submissions (2):

Labcorp Genetics (formerly Invitae), Labcorp
Classification: Likely benign for Spastic paraplegia. Last evaluated: 2024-01-08. Review status: criteria provided, single submitter. Criteria: Invitae Variant Classification Sherloc (09022015). Collection method: clinical testing. Allele origin: germline.

GeneDx
Classification: Uncertain significance. Last evaluated: 2022-06-08. Review status: criteria provided, single submitter. Criteria: GeneDx Variant Classification Process June 2021. Collection method: clinical testing. Allele origin: germline. Affected: yes.
Comment: In silico analysis supports that this missense variant does not alter protein structure/function; Has not been previously published as pathogenic or benign to our knowledge

NM_014363.6(SACS):c.8362G>A (p.Val2788Ile)

Gene: SACS (sacsin molecular chaperone; minus strand). Cytogenetic location: 13q12.12.
Variant type: single nucleotide variant.
Coding change: c.8362G>A on transcript NM_014363.6 (MANE Select); coding-DNA position 8362, G replaced by A.
Protein change: p.Val2788Ile; replaces valine 2788 with isoleucine.
Molecular consequence: missense variant.
Genome position (GRCh38, 1-based): chr13:23,335,514, C>T on the plus strand (G>A on the coding strand, the complement: SACS is on the minus strand). VCF-style: chr13-23335514-C-T. GRCh37 (hg19) VCF-style: chr13-23909653-C-T.
Other names: c.7921G>A, p.Val2641Ile (NM_001278055.2); short protein forms V2641I, V2788I.
Identifiers: ClinVar variation 1803577 (VCV001803577.6), dbSNP rs766202221, ClinGen allele CA6910774.